The following is an entry in ClinVar:

ClinVar aggregate classification (germline): Uncertain significance. Review status: criteria provided, multiple submitters, no conflicts (2 of 4 stars). 4 submissions from 4 submitters: Uncertain significance (3). 1 of the submissions does not count toward it. Last evaluated 2026-08-06.

Conditions:
Myasthenic syndrome, congenital, 1A, slow-channel. Also called: MYASTHENIC SYNDROME, CONGENITAL, TYPE IIa; Congenital myasthenic syndrome 1A; CMS IIa. Identifiers: MedGen C2931107, MONDO:0011088, OMIM 601462.
Lethal multiple pterygium syndrome (LMPS). Identifiers: Orphanet 33108, MedGen C1854678, MONDO:0009668, OMIM 253290.

Allele frequency attached by ClinVar (database versions not stated): TOPMed 0.00001; gnomAD 0.00001.

Submissions (4):

OLLIN Analises Genomicas, OLLIN
Classification: Uncertain significance for Lethal multiple pterygium syndrome. Last evaluated: 2026-08-06. Review status: criteria provided, single submitter. Criteria: ACMG Guidelines 2015 PMID 25741868. Collection method: clinical testing. Allele origin: germline. Inheritance: Autosomal recessive inheritance.
Comment: This missense variant, located in exon 5 (of 9), has been reported in ClinVar (accession VCV000018377.14) and in gnomAD with an allele frequency of 0.0013%. However, to our knowledge, it has not been reported in the scientific literature. In silico analysis predicts that this variant has a deleterious effect. According to the currently available evidence, this variant has been classified as uncertain significance (PP3_M).

Labcorp Genetics (formerly Invitae), Labcorp
Classification: Uncertain significance for Lethal multiple pterygium syndrome. Last evaluated: 2025-09-23. Review status: criteria provided, single submitter. Criteria: Invitae Variant Classification Sherloc (09022015). Collection method: clinical testing. Allele origin: germline.
Comment: This sequence change replaces valine, which is neutral and non-polar, with methionine, which is neutral and non-polar, at codon 176 of the CHRNA1 protein (p.Val176Met). This variant is present in population databases (rs137852799, gnomAD 0.01%). This missense change has been observed in individual(s) with clinical features of autosomal dominant congenital myasthenic syndrome (PMID: 9158151). This variant is also known as p.Val156Met. ClinVar contains an entry for this variant (Variation ID: 18377). Invitae Evidence Modeling of protein sequence and biophysical properties (such as structural, functional, and spatial information, amino acid conservation, physicochemical variation, residue mobility, and thermodynamic stability) indicates that this missense variant is not expected to disrupt CHRNA1 protein function with a negative predictive value of 80%. Experimental studies have shown that this missense change affects CHRNA1 function (PMID: 9158151). In summary, the available evidence is currently insufficient to determine the role of this variant in disease. Therefore, it has been classified as a Variant of Uncertain Significance.

Revvity Omics, Revvity
Classification: Uncertain significance. Last evaluated: 2019-07-16. Review status: criteria provided, single submitter. Criteria: ACMG Guidelines, 2015. Collection method: clinical testing. Allele origin: germline.

OMIM
Classification: Pathogenic for MYASTHENIC SYNDROME, CONGENITAL, 1A, SLOW-CHANNEL. Last evaluated: 1997-05-01. Review status: no assertion criteria provided. Collection method: literature only. Allele origin: germline. Not counted in ClinVar's aggregate classification.

Literature cited by the submitters: PubMed 9158151 (cited by Labcorp Genetics (formerly Invitae), Labcorp and OMIM).

NM_000079.4(CHRNA1):c.526G>A (p.Val176Met)

Gene: CHRNA1 (cholinergic receptor nicotinic alpha 1 subunit; minus strand). Cytogenetic location: 2q31.1.
Variant type: single nucleotide variant.
Coding change: c.526G>A on transcript NM_000079.4 (MANE Select); coding-DNA position 526, G replaced by A.
Protein change: p.Val176Met; replaces valine 176 with methionine.
Molecular consequence: missense variant.
Genome position (GRCh38, 1-based): chr2:174,754,233, C>T on the plus strand (G>A on the coding strand, the complement: CHRNA1 is on the minus strand). VCF-style: chr2-174754233-C-T. GRCh37 (hg19) VCF-style: chr2-175618961-C-T.
Other names: V156M; c.601G>A, p.Val201Met (NM_001039523.3); short protein forms V176M, V201M.
Identifiers: ClinVar variation 18377 (VCV000018377.15), dbSNP rs137852799, ClinGen allele CA258179.